The following is an entry in ClinVar:

ClinVar aggregate classification (germline): Pathogenic. Review status: criteria provided, single submitter (1 of 4 stars). 2 submissions from 2 submitters: Pathogenic (1). 1 of the submissions does not count toward it. Last evaluated 2025-03-17.

Conditions:
Nemaline myopathy. Also called: Myopathies, Nemaline. Identifiers: Orphanet 607, MedGen C0206157, MONDO:0018958.
Arthrogryposis multiplex congenita 6. Identifiers: MedGen C5543431, MONDO:0030281, OMIM 619334.

Allele frequency attached by ClinVar (database versions not stated): gnomAD exomes below 0.00001.
gnomAD v4.1: 1 of 1,588,352 alleles (0.000063%); highest among the groups gnomAD compares: Non-Finnish European, 0.000086%; no homozygotes.

Submissions (2):

Broad Center for Mendelian Genomics, Broad Institute of MIT and Harvard
Classification: Pathogenic for Nemaline myopathy. Last evaluated: 2025-03-17. Review status: criteria provided, single submitter. Criteria: ACMG Guidelines, 2015. Collection method: curation. Allele origin: germline. Inheritance: Autosomal recessive inheritance.
Comment: The c.10872+1G>T variant in NEB has been reported, in the compound heterozygous state, in 1 individual with nemaline myopathy (PMID: 25740301), and has been identified in 0.00008% (1/1163260) of European (non-Finnish) chromosomes by the Genome Aggregation Database (gnomAD; dbSNP ID: rs1336053002). Although this variant has been seen in the general population in a heterozygous state, its frequency is low enough to be consistent with a recessive carrier frequency. This variant has also been reported in ClinVar (Variation ID: 506287) and has been interpreted as pathogenic by OMIM. This variant is located in the 3' splice region. Computational tools predict a splicing impact, though this information is not predictive enough to determine pathogenicity. This alteration is then predicted to lead to a truncated or absent protein. However, this information is not predictive enough to determine pathogenicity. Loss of function of the NEB gene is an established disease mechanism in autosomal recessive nemaline myopathy. The phenotype of an individual heterozygous for this variant is highly specific for nemaline myopathy based on the presence of nemaline rods in muscle biopsy consistent with disease (PMID: 25740301). In summary, this variant meets criteria to be classified as pathogenic for autosomal recessive nemaline myopathy. ACMG/AMP Criteria applied: PVS1, PM2_supporting, PP4 (Richards 2015).

OMIM
Classification: Pathogenic for ARTHROGRYPOSIS MULTIPLEX CONGENITA 6. Last evaluated: 2021-05-27. Review status: no assertion criteria provided. Collection method: literature only. Allele origin: germline. Not counted in ClinVar's aggregate classification.

Literature cited by the submitters: PubMed 28336317 (cited by OMIM).

NM_001164508.2(NEB):c.10872+1G>T

Gene: NEB (nebulin; minus strand). Cytogenetic location: 2q23.3.
Variant type: single nucleotide variant.
Coding change: c.10872+1G>T on transcript NM_001164508.2 (MANE Select); the canonical splice donor site of the intron after coding-DNA position 10872, G replaced by T.
Molecular consequence: splice donor variant.
Genome position (GRCh38, 1-based): chr2:151,619,450, C>A on the plus strand (G>T on the coding strand, the complement: NEB is on the minus strand). VCF-style: chr2-151619450-C-A. GRCh37 (hg19) VCF-style: chr2-152475964-C-A.
Other names: IVS74DS, G-T, +1; c.10143+1G>T (NM_004543.5); c.10872+1G>T (NM_001164507.2, NM_001271208.2).
Identifiers: ClinVar variation 506287 (VCV000506287.3), dbSNP rs1336053002, ClinGen allele CA348787368.